The following is an entry in ClinVar:

NM_001267550.2(TTN):c.107312dup (p.Tyr35772fs)

Genes: TTN-AS1 (TTN antisense RNA 1; plus strand), TTN (titin; minus strand). Cytogenetic location: 2q31.2.
Variant type: Duplication.
Coding change: c.107312dup on transcript NM_001267550.2 (MANE Select); coding-DNA position 107312, one base duplicated (A; older notation c.107312dupA).
Protein change: p.Tyr35772fs; shifts the reading frame from tyrosine 35772.
Molecular consequence: frameshift variant.
Genome position (GRCh38, 1-based): chr2:178,528,339, T duplicated on the plus strand (A on the coding strand, the reverse complement: TTN is on the minus strand); the first of 3 consecutive T bases (chr2:178,528,339-178,528,341); duplicating any one gives the same sequence. VCF-style (leftmost placement, unchanged base first): chr2-178528338-C-CT. GRCh37 (hg19) VCF-style: chr2-179393065-C-CT.
Other names: c.102389dup, p.Tyr34131fs (NM_001256850.1); c.80117dup, p.Tyr26707fs (NM_003319.4); c.99608dup, p.Tyr33204fs (NM_133378.4); c.80492dup, p.Tyr26832fs (NM_133432.3); c.80693dup, p.Tyr26899fs (NM_133437.4); short protein forms Y26707fs, Y26899fs, Y33204fs, Y26832fs, Y34131fs, Y35772fs.
Identifiers: ClinVar variation 1474201 (VCV001474201.8), dbSNP rs2154130897, ClinGen allele CA2573134055.
Genomic context (GRCh38, chr2:178,528,338, plus strand): 5'-GACCATTAAGGAAGCTGTAGCTGAACACTGGCCACGGAAATTTTTGGCCTTAATTGTGTA[C>CT]TTTCCACTGTCGCTGACTGATGCATTTCGGATTTCAAGGGAGTATACATTTCTGGAGCGG-3'

ClinVar aggregate classification (germline): Likely pathogenic (1 of 4 stars; one submission).

Conditions:
Dilated cardiomyopathy 1G (CMD1G). Identifiers: Orphanet 154, MedGen C1858763, MONDO:0011400, OMIM 604145.
Autosomal recessive limb-girdle muscular dystrophy type 2J (LGMDR10). Also called: MUSCULAR DYSTROPHY, LIMB-GIRDLE, AUTOSOMAL RECESSIVE 10; Limb-girdle muscular dystrophy, type 2J. Identifiers: Orphanet 140922, MedGen C1837342, MONDO:0012127, OMIM 608807.

Submission:

Labcorp Genetics (formerly Invitae), Labcorp
Classification: Likely pathogenic for Dilated cardiomyopathy 1G; Autosomal recessive limb-girdle muscular dystrophy type 2J. Last evaluated: 2022-06-20. Review status: criteria provided, single submitter. Criteria: Invitae Variant Classification Sherloc (09022015). Collection method: clinical testing. Allele origin: germline.
Comment: In summary, the currently available evidence indicates that the variant is pathogenic, but additional data are needed to prove that conclusively. Therefore, this variant has been classified as Likely Pathogenic. This variant is located in the M band of TTN (PMID: 25589632). Truncating variants in this region have been previously reported in individuals affected with autosomal recessive myopathy and muscular dystrophy (PMID: 18948003, 23975875, 24395473), but have not been definitively shown to cause cardiomyopathy (PMID: 25589632). This variant has not been reported in the literature in individuals affected with TTN-related conditions. This variant is not present in population databases (gnomAD no frequency). This sequence change creates a premature translational stop signal (p.Tyr35772Valfs*4) in the TTN gene. While this is not anticipated to result in nonsense mediated decay, it is expected to create a truncated TTN protein.

Literature cited by the submitters: PubMed 25589632; PubMed 18948003; PubMed 23975875; PubMed 24395473.